The following is an entry in ClinVar:

NM_001701.4(BAAT):c.672C>T (p.Val224=)

Gene: BAAT (bile acid-CoA:amino acid N-acyltransferase; minus strand). Cytogenetic location: 9q31.1.
Variant type: single nucleotide variant.
Coding change: c.672C>T on transcript NM_001701.4 (MANE Select); coding-DNA position 672, C replaced by T.
Protein change: p.Val224=; no amino-acid change (valine 224 retained).
Molecular consequence: synonymous variant.
Genome position (GRCh38, 1-based): chr9:101,363,013, G>A on the plus strand (C>T on the coding strand, the complement: BAAT is on the minus strand). VCF-style: chr9-101363013-G-A. GRCh37 (hg19) VCF-style: chr9-104125295-G-A.
Other names: c.672C>T, p.Val224= (NM_001127610.2, NM_001374715.1).
Identifiers: ClinVar variation 3057787 (VCV003057787.2), dbSNP rs761880919, ClinGen allele CA5160656.

ClinVar aggregate classification (germline): Likely benign (0 of 4 stars; one submission).

Conditions:
BAAT-related disorder. Also called: BAAT-related condition.

Allele frequency attached by ClinVar (database versions not stated): gnomAD exomes 0.00001; ExAC 0.00002; TOPMed 0.00002.
gnomAD v4.1: 11 of 1,612,554 alleles (0.00068%); highest among the groups gnomAD compares: Admixed American, 0.01%; no homozygotes.

Submission:

PreventionGenetics, part of Exact Sciences
Classification: Likely benign for BAAT-related condition. Last evaluated: 2021-07-12. Review status: no assertion criteria provided. Collection method: clinical testing. Allele origin: germline.
Comment: This variant is classified as likely benign based on ACMG/AMP sequence variant interpretation guidelines (Richards et al. 2015 PMID: 25741868, with internal and published modifications).